The following is an entry in ClinVar:

ClinVar aggregate classification (germline): Uncertain significance. Review status: criteria provided, multiple submitters, no conflicts (2 of 4 stars). 3 submissions from 3 submitters: Uncertain significance (3). Last evaluated 2025-02-28.

Conditions:
Inborn genetic diseases. Identifiers: MedGen C0950123, MeSH D030342.
Developmental and epileptic encephalopathy, 9 (DEE9). Also called: JUBERG-HELLMAN SYNDROME; EPILEPSY, FEMALE-RESTRICTED, WITH MENTAL RETARDATION; Early infantile epileptic encephalopathy 9; PCDH19-Related X-Linked Female-Limited Epilepsy with Mental Retardation. Identifiers: Orphanet 101039, Orphanet 2076, MedGen C1848137, MONDO:0010246, OMIM 300088. Disease mechanism: loss of function.
Intellectual disability. Also called: Intellectual developmental disorder; Intellectual functioning disability; intellectual disabilities. Identifiers: MedGen C3714756, MeSH D008607, MONDO:0001071, HP:0001249.

Allele frequency attached by ClinVar (database versions not stated): gnomAD 0.00001 and 0.00002; gnomAD exomes 0.00002; TOPMed 0.00001.
gnomAD v4.1: 21 of 1,209,918 alleles (0.0017%); highest among the groups gnomAD compares: Non-Finnish European, 0.0023%; no homozygotes.

Submissions (3):

Labcorp Genetics (formerly Invitae), Labcorp
Classification: Uncertain significance for Developmental and epileptic encephalopathy, 9. Last evaluated: 2025-02-28. Review status: criteria provided, single submitter. Criteria: Invitae Variant Classification Sherloc (09022015). Collection method: clinical testing. Allele origin: germline.
Comment: This sequence change replaces phenylalanine, which is neutral and non-polar, with serine, which is neutral and polar, at codon 853 of the PCDH19 protein (p.Phe853Ser). This variant is not present in population databases (gnomAD no frequency). This variant has not been reported in the literature in individuals affected with PCDH19-related conditions. ClinVar contains an entry for this variant (Variation ID: 589631). Invitae Evidence Modeling of protein sequence and biophysical properties (such as structural, functional, and spatial information, amino acid conservation, physicochemical variation, residue mobility, and thermodynamic stability) indicates that this missense variant is not expected to disrupt PCDH19 protein function with a negative predictive value of 95%. In summary, the available evidence is currently insufficient to determine the role of this variant in disease. Therefore, it has been classified as a Variant of Uncertain Significance.

Ambry Genetics
Classification: Uncertain significance for Inborn genetic diseases. Last evaluated: 2021-06-11. Review status: criteria provided, single submitter. Criteria: Ambry Variant Classification Scheme 2023. Collection method: clinical testing. Allele origin: germline.

Cambridge Genomics Laboratory, East Genomic Laboratory Hub, NHS Genomic Medicine Service
Classification: Uncertain significance for Intellectual disability. Last evaluated: 2020-01-18. Review status: criteria provided, single submitter. Criteria: ACGS Best Practice Guidelines for Variant Classification in Rare Disease 2020. Collection method: clinical testing. Allele origin: germline. Affected: yes. Observed: 1 variant allele.

NM_001184880.2(PCDH19):c.2558T>C (p.Phe853Ser)

Genes: PCDH19 (protocadherin 19; minus strand), LOC125467768 (CDK7 strongly-dependent group 2 enhancer GRCh37_chrX:99657381-99658580; plus strand). Cytogenetic location: Xq22.1.
Variant type: single nucleotide variant.
Coding change: c.2558T>C on transcript NM_001184880.2 (MANE Select); coding-DNA position 2558, T replaced by C.
Protein change: p.Phe853Ser; replaces phenylalanine 853 with serine.
Molecular consequence: missense variant.
Genome position (GRCh38, 1-based): chrX:100,402,582, A>G on the plus strand (T>C on the coding strand, the complement: PCDH19 is on the minus strand). VCF-style: chrX-100402582-A-G. GRCh37 (hg19) VCF-style: chrX-99657580-A-G.
Other names: c.2417T>C, p.Phe806Ser (NM_001105243.2, NM_020766.3); short protein forms F853S, F806S.
Identifiers: ClinVar variation 589631 (VCV000589631.7), dbSNP rs894617575, ClinGen allele CA333825799.